The following is an entry in ClinVar:

ClinVar aggregate classification (germline): Pathogenic/Likely pathogenic. Review status: criteria provided, multiple submitters, no conflicts (2 of 4 stars). 2 submissions from 2 submitters: Pathogenic (1); Likely pathogenic (1). Last evaluated 2024-01-06.

Conditions:
CARMIL2-related disorder. Also called: CARMIL2-related condition.

Submissions (2):

Labcorp Genetics (formerly Invitae), Labcorp
Classification: Pathogenic. Last evaluated: 2024-01-06. Review status: criteria provided, single submitter. Criteria: Invitae Variant Classification Sherloc (09022015). Collection method: clinical testing. Allele origin: germline.
Comment: This sequence change creates a premature translational stop signal (p.Pro451Argfs*51) in the CARMIL2 gene. It is expected to result in an absent or disrupted protein product. Loss-of-function variants in CARMIL2 are known to be pathogenic (PMID: 27647349, 28112205). This variant is not present in population databases (gnomAD no frequency). This variant has not been reported in the literature in individuals affected with CARMIL2-related conditions. ClinVar contains an entry for this variant (Variation ID: 2636490). For these reasons, this variant has been classified as Pathogenic.

PreventionGenetics, part of Exact Sciences
Classification: Likely pathogenic for CARMIL2-related condition. Last evaluated: 2023-06-06. Review status: criteria provided, single submitter. Criteria: ACMG Guidelines, 2015. Collection method: clinical testing. Allele origin: germline.
Comment: The CARMIL2 c.1352_1382del31 variant is predicted to result in a frameshift and premature protein termination (p.Pro451Argfs*51). To our knowledge, this variant has not been reported in the literature or in a large population database, indicating this variant is rare. Frameshift variants in CARMIL2 are expected to be pathogenic. This variant is interpreted as likely pathogenic.

Literature cited by the submitters: PubMed 27647349 (cited by Labcorp Genetics (formerly Invitae), Labcorp); PubMed 28112205 (cited by Labcorp Genetics (formerly Invitae), Labcorp).

NM_001013838.3(CARMIL2):c.1352_1382del (p.Pro451fs)

Gene: CARMIL2 (capping protein regulator and myosin 1 linker 2; plus strand). Cytogenetic location: 16q22.1.
Variant type: Deletion.
Coding change: c.1352_1382del on transcript NM_001013838.3 (MANE Select); coding-DNA positions 1352 to 1382, 31 bases deleted.
Protein change: p.Pro451fs; shifts the reading frame from proline 451.
Molecular consequence: frameshift variant.
Genome position (GRCh38, 1-based): chr16:67,648,415-67,648,445, 31 bases deleted; deleting any 31 consecutive bases within chr16:67,648,408-67,648,445 gives the same sequence; the c. name uses the placement nearest the transcript's 3' end. GRCh37 (hg19): chr16:67,682,318-67,682,348.
Other names: c.1244_1274del, p.Pro415fs (NM_001317026.3); short protein forms P415fs, P451fs.
Identifiers: ClinVar variation 2636490 (VCV002636490.4), dbSNP rs2543547067, ClinGen allele CA2695197661.